The following is an entry in ClinVar:

NM_000051.4(ATM):c.8279T>C (p.Leu2760Pro)

Genes: ATM (ATM serine/threonine kinase; plus strand), C11orf65 (chromosome 11 open reading frame 65; minus strand). Cytogenetic location: 11q22.3.
Variant type: single nucleotide variant.
Coding change: c.8279T>C on transcript NM_000051.4 (MANE Select); coding-DNA position 8279, T replaced by C.
Protein change: p.Leu2760Pro; replaces leucine 2760 with proline.
Molecular consequence: missense variant. On other transcripts: intron variant (2).
Genome position (GRCh38, 1-based): chr11:108,343,232, T>C. VCF-style: chr11-108343232-T-C. GRCh37 (hg19) VCF-style: chr11-108213959-T-C.
Other names: c.8279T>C, p.Leu2760Pro (NM_001351834.2); c.641-34161A>G (NM_001330368.2); c.695-7940A>G (NM_001351110.2); short protein forms L2760P.
Identifiers: ClinVar variation 407521 (VCV000407521.10), dbSNP rs1060501578, ClinGen allele CA16613507.

ClinVar aggregate classification (germline): Uncertain significance. Review status: criteria provided, multiple submitters, no conflicts (2 of 4 stars). 2 submissions from 2 submitters: Uncertain significance (2). Last evaluated 2025-03-28.

Conditions:
Hereditary cancer-predisposing syndrome. Also called: Neoplastic Syndromes, Hereditary; Hereditary Cancer Syndrome; Tumor predisposition; Hereditary neoplastic syndrome. Identifiers: Orphanet 140162, MedGen C0027672, MeSH D009386, MONDO:0015356.
Ataxia-telangiectasia syndrome (AT). Also called: LOUIS-BAR SYNDROME; Cerebello-oculocutaneous telangiectasia; Immunodeficiency with ataxia telangiectasia; Ataxia-telangiectasia, complementation group D; AT, COMPLEMENTATION GROUP C; Ataxia-telangiectasia, complementation group E. Identifiers: Orphanet 100, MedGen C0004135, MONDO:0008840, OMIM 208900.

Submissions (2):

Ambry Genetics
Classification: Uncertain significance for Hereditary cancer-predisposing syndrome. Last evaluated: 2025-03-28. Review status: criteria provided, single submitter. Criteria: Ambry Variant Classification Scheme 2023. Collection method: clinical testing. Allele origin: germline.
Comment: The p.L2760P variant (also known as c.8279T>C), located in coding exon 56 of the ATM gene, results from a T to C substitution at nucleotide position 8279. The leucine at codon 2760 is replaced by proline, an amino acid with similar properties. This amino acid position is well conserved in available vertebrate species. In addition, this alteration is predicted to be deleterious by in silico analysis. Based on the available evidence, the clinical significance of this variant remains unclear.

Labcorp Genetics (formerly Invitae), Labcorp
Classification: Uncertain significance for Ataxia-telangiectasia syndrome. Last evaluated: 2020-01-17. Review status: criteria provided, single submitter. Criteria: Invitae Variant Classification Sherloc (09022015). Collection method: clinical testing. Allele origin: germline.
Comment: This sequence change replaces leucine with proline at codon 2760 of the ATM protein (p.Leu2760Pro). The leucine residue is moderately conserved and there is a moderate physicochemical difference between leucine and proline. This variant is not present in population databases (ExAC no frequency) and has not been reported in the literature in individuals with a ATM-related disease. Algorithms developed to predict the effect of missense changes on protein structure and function (SIFT, PolyPhen-2, Align-GVGD) all suggest that this variant is likely to be disruptive, but these predictions have not been confirmed by published functional studies. In summary, this variant is a novel missense change with uncertain impact on protein function. It has been classified as a Variant of Uncertain Significance.